The following is an entry in ClinVar:

ClinVar aggregate classification (germline): Uncertain significance (1 of 4 stars; one submission).

gnomAD v4.1: 3 of 1,608,686 alleles (0.00019%); highest among the groups gnomAD compares: African/African-American, 0.0027%; no homozygotes.

Submission:

GeneDx
Classification: Uncertain significance. Last evaluated: 2025-08-12. Review status: criteria provided, single submitter. Criteria: GeneDx Variant Classification Process June 2021. Collection method: clinical testing. Allele origin: germline. Affected: yes.
Comment: Not observed at significant frequency in large population cohorts (gnomAD); In silico analysis supports that this missense variant has a deleterious effect on protein structure/function; Has not been previously published as pathogenic or benign to our knowledge

NM_006828.4(ASCC3):c.3469G>T (p.Asp1157Tyr)

Gene: ASCC3 (activating signal cointegrator 1 complex subunit 3; minus strand). Cytogenetic location: 6q16.3.
Variant type: single nucleotide variant.
Coding change: c.3469G>T on transcript NM_006828.4 (MANE Select); coding-DNA position 3469, G replaced by T.
Protein change: p.Asp1157Tyr; replaces aspartic acid 1157 with tyrosine.
Molecular consequence: missense variant.
Genome position (GRCh38, 1-based): chr6:100,647,235, C>A on the plus strand (G>T on the coding strand, the complement: ASCC3 is on the minus strand). VCF-style: chr6-100647235-C-A. GRCh37 (hg19) VCF-style: chr6-101095111-C-A.
Other names: short protein forms D1157Y.
Identifiers: ClinVar variation 4795752 (VCV004795752.1).